The following is an entry in ClinVar:

NC_000010.10:g.(?_99358512)_(99371416_?)del

Gene: HOGA1 (4-hydroxy-2-oxoglutarate aldolase 1; plus strand). Cytogenetic location: 10q24.2.
Variant type: Deletion.
Identifiers: ClinVar variation 3245038 (VCV003245038.1).

ClinVar aggregate classification (germline): Pathogenic (1 of 4 stars; one submission).

Submission:

Labcorp Genetics (formerly Invitae), Labcorp
Classification: Pathogenic. Last evaluated: 2023-08-11. Review status: criteria provided, single submitter. Criteria: Invitae Variant Classification Sherloc (09022015). Collection method: clinical testing. Allele origin: unknown.
Comment: This variant is a gross deletion of the genomic region encompassing exon(s) 2-7 of the HOGA1 gene, which includes the termination codon. This deletion extends beyond the assayed region for this gene and therefore may encompass additional genes. While this deletion is not anticipated to lead to nonsense mediated decay, it is expected to alter mRNA translation or result in a truncated protein product. This variant has not been reported in the literature in individuals affected with HOGA1-related conditions. This variant disrupts a region of the HOGA1 protein in which other variant(s) (p.Cys257Gly ) have been determined to be pathogenic (PMID: 20797690, 25972204, 30488096). This suggests that this is a clinically significant region of the protein, and that variants that disrupt it are likely to be disease-causing. For these reasons, this variant has been classified as Pathogenic.

Literature cited by the submitters: PubMed 20797690; PubMed 25972204; PubMed 30488096.